The following is an entry in ClinVar:

ClinVar aggregate classification (germline): Likely pathogenic (1 of 4 stars; one submission).

Conditions:
Anemia, nonspherocytic hemolytic, due to G6PD deficiency (CNSHA1). Also called: Hemolytic anemia due to G6PD deficiency; Class I glucose-6-phosphate dehydrogenase deficiency; Favism, susceptibility to; ANEMIA, CONGENITAL, NONSPHEROCYTIC HEMOLYTIC, 1. Identifiers: Orphanet 466026, MedGen C2720289, MONDO:0010480, OMIM 300908.

Submission:

Dunham Lab, University of Washington
Classification: Likely pathogenic for Anemia, nonspherocytic hemolytic, due to G6PD deficiency. Last evaluated: 2022-08-12. Review status: criteria provided, single submitter. Criteria: Bayesian ACMG Guidelines, 2018. Collection method: curation. Allele origin: unknown. Affected: yes.
Comment: Decreased actvity in red blood cells (1-2%) (PS3). Leads to deletion of one amino acid (PM4). Not found in gnomAD (PM2). Not found in gnomAD (PM2). Post_P 0.988 (odds of pathogenicity 729.3, Prior_P 0.1).

Literature cited by the submitters: McGonigle et al. 1998, Brit J Haematol 101(Suppl1):51..

NM_001360016.2(G6PD):c.1490_1492del (p.Lys497del)

Gene: G6PD (glucose-6-phosphate dehydrogenase; minus strand). Cytogenetic location: Xq28.
Variant type: Deletion.
Coding change: c.1490_1492del on transcript NM_001360016.2 (MANE Select); coding-DNA positions 1490 to 1492, 3 bases deleted (AGA; older notation c.1490_1492delAGA).
Protein change: p.Lys497del; deletes lysine 497.
Molecular consequence: inframe deletion.
Genome position (GRCh38, 1-based): chrX:154,532,056-154,532,058, TCT deleted on the plus strand (AGA on the coding strand, the reverse complement: G6PD is on the minus strand); deleting any 3 consecutive bases within chrX:154,532,056-154,532,060 gives the same sequence; the c. name uses the placement nearest the transcript's 3' end. VCF-style (leftmost placement, unchanged base first): chrX-154532055-CTCT-C. GRCh37 (hg19) VCF-style: chrX-153760270-CTCT-C.
Other names: G6PD Brighton; c.1580_1582del, p.Lys527del (NM_000402.4); c.1490_1492del, p.Lys497del (NM_001042351.3); short protein forms K497del, K527del.
Identifiers: ClinVar variation 1722640 (VCV001722640.2), dbSNP rs2523260558, ClinGen allele CA2580101756.